The following is an entry in ClinVar:

NM_016938.5(EFEMP2):c.25C>A (p.Pro9Thr)

Gene: EFEMP2 (EGF-like fibulin extracellular matrix protein 2; minus strand). Cytogenetic location: 11q13.1.
Variant type: single nucleotide variant.
Coding change: c.25C>A on transcript NM_016938.5 (MANE Select); coding-DNA position 25, C replaced by A.
Protein change: p.Pro9Thr; replaces proline 9 with threonine.
Molecular consequence: missense variant. On other transcripts: non-coding transcript variant (1).
Genome position (GRCh38, 1-based): chr11:65,872,330, G>T on the plus strand (C>A on the coding strand, the complement: EFEMP2 is on the minus strand). VCF-style: chr11-65872330-G-T. GRCh37 (hg19) VCF-style: chr11-65639801-G-T.
Other names: c.25C>A (NM_016938.4); short protein forms P9T.
Identifiers: ClinVar variation 4750716 (VCV004750716.2).

ClinVar aggregate classification (germline): Conflicting classifications of pathogenicity. Review status: criteria provided, conflicting classifications (1 of 4 stars). 2 submissions from 2 submitters: Uncertain significance (1); Likely benign (1). Last evaluated 2026-04-16.

Conditions:
Cardiovascular phenotype. Identifiers: MedGen CN230736.
Cutis laxa, autosomal recessive, type 1B (ARCL1B). Also called: CUTIS LAXA, AUTOSOMAL RECESSIVE, TYPE IB; EFEMP2-Related Cutis Laxa. Identifiers: Orphanet 90349, MedGen C3280798, MONDO:0013754, OMIM 614437. Disease mechanism: loss of function.

Submissions (2):

Ambry Genetics
Classification: Uncertain significance for Cardiovascular phenotype. Last evaluated: 2026-04-16. Review status: criteria provided, single submitter. Criteria: Ambry Variant Classification Scheme 2023. Collection method: clinical testing. Allele origin: germline.
Comment: The p.P9T variant (also known as c.25C>A), located in coding exon 1 of the EFEMP2 gene, results from a C to A substitution at nucleotide position 25. The proline at codon 9 is replaced by threonine, an amino acid with highly similar properties. This amino acid position is not well conserved in available vertebrate species. In addition, this alteration is predicted to be tolerated by in silico analysis. Based on the available evidence, the clinical significance of this variant remains unclear.

Labcorp Genetics (formerly Invitae), Labcorp
Classification: Likely benign for Cutis laxa, autosomal recessive, type 1B. Last evaluated: 2025-12-22. Review status: criteria provided, single submitter. Criteria: Invitae Variant Classification Sherloc (09022015). Collection method: clinical testing. Allele origin: germline.